The following is an entry in ClinVar:

ClinVar aggregate classification (germline): Uncertain significance. Review status: criteria provided, multiple submitters, no conflicts (2 of 4 stars). 2 submissions from 2 submitters: Uncertain significance (2). Last evaluated 2026-05-26.

Conditions:
Inborn genetic diseases. Identifiers: MedGen C0950123, MeSH D030342.

Allele frequency attached by ClinVar (database versions not stated): gnomAD exomes below 0.00001; TOPMed 0.00002.
gnomAD v4.1: 2 of 1,441,292 alleles (0.00014%); highest among the groups gnomAD compares: Admixed American, 0.0053%; no homozygotes.

Submissions (2):

Ambry Genetics
Classification: Uncertain significance for Inborn genetic diseases. Last evaluated: 2026-05-26. Review status: criteria provided, single submitter. Criteria: Ambry Variant Classification Scheme 2023. Collection method: clinical testing. Allele origin: germline.

Labcorp Genetics (formerly Invitae), Labcorp
Classification: Uncertain significance. Last evaluated: 2022-07-18. Review status: criteria provided, single submitter. Criteria: Invitae Variant Classification Sherloc (09022015). Collection method: clinical testing. Allele origin: germline.
Comment: This sequence change replaces valine, which is neutral and non-polar, with leucine, which is neutral and non-polar, at codon 160 of the HMX1 protein (p.Val160Leu). This variant is not present in population databases (gnomAD no frequency). This variant has not been reported in the literature in individuals affected with HMX1-related conditions. ClinVar contains an entry for this variant (Variation ID: 1042635). Algorithms developed to predict the effect of missense changes on protein structure and function output the following: SIFT: "Tolerated"; PolyPhen-2: "Benign"; Align-GVGD: "Class C0". The leucine amino acid residue is found in multiple mammalian species, which suggests that this missense change does not adversely affect protein function. In summary, the available evidence is currently insufficient to determine the role of this variant in disease. Therefore, it has been classified as a Variant of Uncertain Significance.

NM_018942.3(HMX1):c.478G>C (p.Val160Leu)

Gene: HMX1 (H6 family homeobox 1; minus strand). Cytogenetic location: 4p16.1.
Variant type: single nucleotide variant.
Coding change: c.478G>C on transcript NM_018942.3 (MANE Select); coding-DNA position 478, G replaced by C.
Protein change: p.Val160Leu; replaces valine 160 with leucine.
Molecular consequence: missense variant. On other transcripts: intron variant (1).
Genome position (GRCh38, 1-based): chr4:8,868,262, C>G on the plus strand (G>C on the coding strand, the complement: HMX1 is on the minus strand). VCF-style: chr4-8868262-C-G. GRCh37 (hg19) VCF-style: chr4-8869988-C-G.
Other names: c.478G>C (NM_018942.2); c.394+2959G>C (NM_001306142.2); short protein forms V160L.
Identifiers: ClinVar variation 1042635 (VCV001042635.6), dbSNP rs1722092291, ClinGen allele CA356278513.
Genomic context (GRCh38, chr4:8,868,262, plus strand): 5'-ACGCCTCCTCCGTGCCGGCCGCCGGGCCACGCGCCGCCAGCTCCGCTGCCTCCCGCTGCA[C>G]CGCTCCCGGCCCGGGGCCTCGCGGCCAGGCGCCCTCCGCACGGCCCATCTCCTCGCCCGT-3'
Protein context (NP_061815.2, residues 150-170): AWPRGPGPGA[Val160Leu]QREAAELAAR